The following is an entry in ClinVar:

NM_207581.4(DUOXA2):c.10_11dup (p.Trp4fs)

Gene: DUOXA2 (dual oxidase maturation factor 2; plus strand). Cytogenetic location: 15q21.1.
Variant type: Microsatellite.
Coding change: c.10_11dup on transcript NM_207581.4 (MANE Select); coding-DNA positions 10 to 11, 2 bases duplicated (TG; older notation c.10_11dupTG).
Protein change: p.Trp4fs; shifts the reading frame from tryptophan 4.
Molecular consequence: frameshift variant.
Genome position (GRCh38, 1-based): chr15:45,114,615-45,114,616, TG duplicated; duplicating any 2 consecutive bases within chr15:45,114,613-45,114,616 gives the same sequence; the c. name uses the placement nearest the transcript's 3' end. VCF-style (leftmost placement, unchanged base first): chr15-45114612-C-CTG. GRCh37 (hg19) VCF-style: chr15-45406810-C-CTG.
Other names: short protein forms W4fs.
Identifiers: ClinVar variation 504016 (VCV000504016.2), dbSNP rs1555414714, ClinGen allele CA658798317.

ClinVar aggregate classification (germline): Pathogenic (1 of 4 stars; one submission).

Submission:

GeneDx
Classification: Pathogenic. Last evaluated: 2020-09-18. Review status: criteria provided, single submitter. Criteria: GeneDx Variant Classification Process June 2021. Collection method: clinical testing. Allele origin: germline. Affected: yes.
Comment: Frameshift variant predicted to result in protein truncation or nonsense mediated decay in a gene for which loss-of-function is a known mechanism of disease; Not observed in large population cohorts (Lek et al., 2016); Has not been previously published as pathogenic or benign to our knowledge